The following is an entry in ClinVar:

NM_000975.5(RPL11):c.452T>C (p.Ile151Thr)

Gene: RPL11 (ribosomal protein L11; plus strand). Cytogenetic location: 1p36.11.
Variant type: single nucleotide variant.
Coding change: c.452T>C on transcript NM_000975.5 (MANE Select); coding-DNA position 452, T replaced by C.
Protein change: p.Ile151Thr; replaces isoleucine 151 with threonine.
Molecular consequence: missense variant.
Genome position (GRCh38, 1-based): chr1:23,695,853, T>C. VCF-style: chr1-23695853-T-C. GRCh37 (hg19) VCF-style: chr1-24022343-T-C.
Other names: c.449T>C, p.Ile150Thr (NM_001199802.1); short protein forms I150T, I151T.
Identifiers: ClinVar variation 1010860 (VCV001010860.9), dbSNP rs754966145, ClinGen allele CA684296.

ClinVar aggregate classification (germline): Uncertain significance. Review status: criteria provided, multiple submitters, no conflicts (2 of 4 stars). 2 submissions from 2 submitters: Uncertain significance (2). Last evaluated 2024-06-05.

Conditions:
Diamond-Blackfan anemia. Also called: Blackfan Diamond syndrome; Aregenerative anemia chronic congenital; Red cell aplasia, pure hereditary; Congenital hypoplastic anemia; Aase syndrome. Identifiers: Orphanet 124, MedGen C1260899, MeSH D029503, MONDO:0015253, HP:0004810.
Diamond-Blackfan anemia 7 (DBA7). Also called: RPL11-Related Diamond-Blackfan Anemia. Identifiers: Orphanet 124, MedGen C2675512, MONDO:0012938, OMIM 612562.

Allele frequency attached by ClinVar (database versions not stated): gnomAD 0.00002; gnomAD exomes 0.00005; TOPMed 0.00005; ExAC 0.00011.
gnomAD v4.1: 52 of 1,600,916 alleles (0.0032%); highest among the groups gnomAD compares: East Asian, 0.011%; no homozygotes.

Submissions (2):

Fulgent Genetics
Classification: Uncertain significance for Diamond-Blackfan anemia 7. Last evaluated: 2024-06-05. Review status: criteria provided, single submitter. Criteria: ACMG Guidelines, 2015. Collection method: clinical testing. Allele origin: germline.

Labcorp Genetics (formerly Invitae), Labcorp
Classification: Uncertain significance for Diamond-Blackfan anemia. Last evaluated: 2023-08-19. Review status: criteria provided, single submitter. Criteria: Invitae Variant Classification Sherloc (09022015). Collection method: clinical testing. Allele origin: germline.
Comment: In summary, the available evidence is currently insufficient to determine the role of this variant in disease. Therefore, it has been classified as a Variant of Uncertain Significance. An algorithm developed to predict the effect of missense changes on protein structure and function (PolyPhen-2) suggests that this variant is likely to be tolerated. ClinVar contains an entry for this variant (Variation ID: 1010860). This variant has not been reported in the literature in individuals affected with RPL11-related conditions. This variant is present in population databases (rs754966145, gnomAD 0.03%). This sequence change replaces isoleucine, which is neutral and non-polar, with threonine, which is neutral and polar, at codon 151 of the RPL11 protein (p.Ile151Thr).